The following is an entry in ClinVar:

NM_001353345.2(SETD1B):c.3945G>A (p.Met1315Ile)

Gene: SETD1B (SET domain containing 1B, histone lysine methyltransferase; plus strand). Cytogenetic location: 12q24.31.
Variant type: single nucleotide variant.
Coding change: c.3945G>A on transcript NM_001353345.2 (MANE Select); coding-DNA position 3945, G replaced by A.
Protein change: p.Met1315Ile; replaces methionine 1315 with isoleucine.
Molecular consequence: missense variant.
Genome position (GRCh38, 1-based): chr12:121,822,524, G>A. VCF-style: chr12-121822524-G-A. GRCh37 (hg19) VCF-style: chr12-122260430-G-A.
Other names: short protein forms M1315I.
Identifiers: ClinVar variation 3768135 (VCV003768135.1).

ClinVar aggregate classification (germline): Uncertain significance (1 of 4 stars; one submission).

Submission:

Women's Health and Genetics/Laboratory Corporation of America, LabCorp
Classification: Uncertain significance. Last evaluated: 2024-12-27. Review status: criteria provided, single submitter. Criteria: LabCorp Variant Classification Summary - May 2015. Collection method: clinical testing. Allele origin: germline.
Comment: Variant summary: SETD1B c.3945G>A (p.Met1315Ile) results in a conservative amino acid change in the encoded protein sequence. Four of four in-silico tools predict a benign effect of the variant on protein function. The variant was absent in 154906 control chromosomes. The available data on variant occurrences in the general population are insufficient to allow any conclusion about variant significance. To our knowledge, no occurrence of c.3945G>A in individuals affected with Intellectual Developmental Disorder With Seizures And Language Delay and no experimental evidence demonstrating its impact on protein function have been reported. No submitters have cited clinical-significance assessments for this variant to ClinVar. Based on the evidence outlined above, the variant was classified as uncertain significance.